The following is an entry in ClinVar:

NM_000051.4(ATM):c.1301dup (p.Leu435fs)

Gene: ATM (ATM serine/threonine kinase; plus strand). Cytogenetic location: 11q22.3.
Variant type: Duplication.
Coding change: c.1301dup on transcript NM_000051.4 (MANE Select); coding-DNA position 1301, one base duplicated (C; older notation c.1301dupC).
Protein change: p.Leu435fs; shifts the reading frame from leucine 435.
Molecular consequence: frameshift variant.
Genome position (GRCh38, 1-based): chr11:108,250,766, C duplicated; the last of 2 consecutive C bases (chr11:108,250,765-108,250,766); duplicating either gives the same sequence. VCF-style (leftmost placement, unchanged base first): chr11-108250764-T-TC. GRCh37 (hg19) VCF-style: chr11-108121491-T-TC.
Other names: c.1301dup, p.Leu435fs (NM_001351834.2); short protein forms L435fs.
Identifiers: ClinVar variation 4731668 (VCV004731668.1).
Genomic context (GRCh38, chr11:108,250,764, plus strand): 5'-ACAGATTGCAACCCAATTAATATCAAAGTATCCTGCAAGTTTACCTAACTGTGAGCTGTC[T>TC]CCATTACTGATGATACTATCTCAGCTTCTACCCCAACAGCGACATGGGGAACGTACACCA-3'

ClinVar aggregate classification (germline): Pathogenic (1 of 4 stars; one submission).

Conditions:
Ataxia-telangiectasia syndrome (AT). Also called: Cerebello-oculocutaneous telangiectasia; Immunodeficiency with ataxia telangiectasia; Ataxia-telangiectasia, complementation group E; LOUIS-BAR SYNDROME; AT, COMPLEMENTATION GROUP C; ATAXIA-TELANGIECTASIA, COMPLEMENTATION GROUP A. Identifiers: Orphanet 100, MedGen C0004135, MONDO:0008840, OMIM 208900.

Submission:

Labcorp Genetics (formerly Invitae), Labcorp
Classification: Pathogenic for Ataxia-telangiectasia syndrome. Last evaluated: 2025-12-30. Review status: criteria provided, single submitter. Criteria: Invitae Variant Classification Sherloc (09022015). Collection method: clinical testing. Allele origin: germline.
Comment: This sequence change creates a premature translational stop signal (p.Leu435Ilefs*52) in the ATM gene. It is expected to result in an absent or disrupted protein product. Loss-of-function variants in ATM are known to be pathogenic (PMID: 23807571, 25614872). This variant is not present in population databases (gnomAD no frequency). This variant has not been reported in the literature in individuals affected with ATM-related conditions. For these reasons, this variant has been classified as Pathogenic.

Literature cited by the submitters: PubMed 23807571; PubMed 25614872.